The following is an entry in ClinVar:

NM_007272.3(CTRC):c.791A>G (p.Glu264Gly)

Gene: CTRC (chymotrypsin C; plus strand). Cytogenetic location: 1p36.21.
Variant type: single nucleotide variant.
Coding change: c.791A>G on transcript NM_007272.3 (MANE Select); coding-DNA position 791, A replaced by G.
Protein change: p.Glu264Gly; replaces glutamic acid 264 with glycine.
Molecular consequence: missense variant.
Genome position (GRCh38, 1-based): chr1:15,445,748, A>G. VCF-style: chr1-15445748-A-G. GRCh37 (hg19) VCF-style: chr1-15772243-A-G.
Other names: short protein forms E264G.
Identifiers: ClinVar variation 1761204 (VCV001761204.8), dbSNP rs764039167, ClinGen allele CA613476.

ClinVar aggregate classification (germline): Uncertain significance. Review status: criteria provided, multiple submitters, no conflicts (2 of 4 stars). 2 submissions from 2 submitters: Uncertain significance (2). Last evaluated 2024-04-01.

Conditions:
Hereditary pancreatitis (PCTT). Also called: Hereditary chronic pancreatitis; PRSS1-Related Hereditary Pancreatitis. Identifiers: Orphanet 676, MedGen C0238339, MONDO:0008185, OMIM 167800.

Allele frequency attached by ClinVar (database versions not stated): ExAC 0.00002.

Submissions (2):

Ambry Genetics
Classification: Uncertain significance for Hereditary pancreatitis. Last evaluated: 2024-04-01. Review status: criteria provided, single submitter. Criteria: Ambry Variant Classification Scheme 2023. Collection method: clinical testing. Allele origin: germline.
Comment: The p.E264G variant (also known as c.791A>G), located in coding exon 7 of the CTRC gene, results from an A to G substitution at nucleotide position 791. The glutamic acid at codon 264 is replaced by glycine, an amino acid with similar properties. This amino acid position is conserved. In addition, the in silico prediction for this alteration is inconclusive. Since supporting evidence is limited at this time, the clinical significance of this alteration remains unclear.

Labcorp Genetics (formerly Invitae), Labcorp
Classification: Uncertain significance for Hereditary pancreatitis. Last evaluated: 2023-09-05. Review status: criteria provided, single submitter. Criteria: Invitae Variant Classification Sherloc (09022015). Collection method: clinical testing. Allele origin: germline.
Comment: An algorithm developed to predict the effect of missense changes on protein structure and function (PolyPhen-2) suggests that this variant is likely to be tolerated. In summary, the available evidence is currently insufficient to determine the role of this variant in disease. Therefore, it has been classified as a Variant of Uncertain Significance. ClinVar contains an entry for this variant (Variation ID: 1761204). This variant has not been reported in the literature in individuals affected with CTRC-related conditions. This variant is present in population databases (rs764039167, gnomAD 0.01%). This sequence change replaces glutamic acid, which is acidic and polar, with glycine, which is neutral and non-polar, at codon 264 of the CTRC protein (p.Glu264Gly).